The following is an entry in ClinVar:

NM_152268.4(PARS2):c.163C>T (p.Arg55Trp)

Gene: PARS2 (prolyl-tRNA synthetase 2, mitochondrial; minus strand). Cytogenetic location: 1p32.3.
Variant type: single nucleotide variant.
Coding change: c.163C>T on transcript NM_152268.4 (MANE Select); coding-DNA position 163, C replaced by T.
Protein change: p.Arg55Trp; replaces arginine 55 with tryptophan.
Molecular consequence: missense variant.
Genome position (GRCh38, 1-based): chr1:54,758,999, G>A on the plus strand (C>T on the coding strand, the complement: PARS2 is on the minus strand). VCF-style: chr1-54758999-G-A. GRCh37 (hg19) VCF-style: chr1-55224672-G-A.
Other names: short protein forms R55W.
Identifiers: ClinVar variation 1505660 (VCV001505660.7), dbSNP rs74617964, ClinGen allele CA869537.

ClinVar aggregate classification (germline): Uncertain significance. Review status: criteria provided, multiple submitters, no conflicts (2 of 4 stars). 2 submissions from 2 submitters: Uncertain significance (2). Last evaluated 2022-11-01.

Allele frequency attached by ClinVar (database versions not stated): gnomAD 0.00006 and 0.00007; TOPMed 0.00010; ESP Exome Variant Server 0.00015; 1000 Genomes Project 30x 0.00016; 1000 Genomes Project 0.00020.

Submissions (2):

Labcorp Genetics (formerly Invitae), Labcorp
Classification: Uncertain significance. Last evaluated: 2022-11-01. Review status: criteria provided, single submitter. Criteria: Invitae Variant Classification Sherloc (09022015). Collection method: clinical testing. Allele origin: germline.
Comment: In summary, the available evidence is currently insufficient to determine the role of this variant in disease. Therefore, it has been classified as a Variant of Uncertain Significance. Algorithms developed to predict the effect of missense changes on protein structure and function are either unavailable or do not agree on the potential impact of this missense change (SIFT: "Deleterious"; PolyPhen-2: "Benign"; Align-GVGD: "Class C0"). ClinVar contains an entry for this variant (Variation ID: 1505660). This variant has not been reported in the literature in individuals affected with PARS2-related conditions. This variant is present in population databases (rs74617964, gnomAD 0.004%). This sequence change replaces arginine, which is basic and polar, with tryptophan, which is neutral and slightly polar, at codon 55 of the PARS2 protein (p.Arg55Trp).

GeneDx
Classification: Uncertain significance. Last evaluated: 2022-02-02. Review status: criteria provided, single submitter. Criteria: GeneDx Variant Classification Process June 2021. Collection method: clinical testing. Allele origin: germline. Affected: yes.
Comment: Not observed at significant frequency in large population cohorts (gnomAD); In silico analysis supports that this missense variant does not alter protein structure/function; Has not been previously published as pathogenic or benign to our knowledge